The following is an entry in ClinVar:

NM_001360.3(DHCR7):c.321+22G>A

Gene: DHCR7 (7-dehydrocholesterol reductase; minus strand). Cytogenetic location: 11q13.4.
Variant type: single nucleotide variant.
Coding change: c.321+22G>A on transcript NM_001360.3 (MANE Select); 22 bases into the intron after coding-DNA position 321, G replaced by A.
Molecular consequence: intron variant. On other transcripts: missense variant (2).
Genome position (GRCh38, 1-based): chr11:71,443,971, C>T on the plus strand (G>A on the coding strand, the complement: DHCR7 is on the minus strand). VCF-style: chr11-71443971-C-T. GRCh37 (hg19) VCF-style: chr11-71155017-C-T.
Other names: p.?; c.343G>A, p.Val115Ile (NM_001425108.1); c.247G>A, p.Val83Ile (NM_001425113.1); c.321+22G>A (NM_001425120.1, NM_001425109.1, NM_001163817.2 and 7 more transcripts); c.225+22G>A (NM_001425114.1, NM_001425116.1); c.147+22G>A (NM_001425117.1); short protein forms V115I, V83I.
Identifiers: ClinVar variation 4683648 (VCV004683648.1).

ClinVar aggregate classification (germline): Benign (1 of 4 stars; one submission).

Submission:

Mayo Clinic Laboratories, Mayo Clinic
Classification: Benign. Last evaluated: 2023-08-02. Review status: criteria provided, single submitter. Criteria: ACMG Guidelines, 2015. Collection method: clinical testing. Allele origin: germline. Observed: 4 variant alleles.
Comment: BS1, BS2, BP4, BP7